The following is an entry in ClinVar:

ClinVar aggregate classification (germline): Uncertain significance (1 of 4 stars; one submission).

Conditions:
Long QT syndrome (LQTS). Identifiers: MedGen C0023976, MeSH D008133, MONDO:0002442. Disease mechanism: loss of function. Inheritance: Various modes of inheritance.

Submission:

Labcorp Genetics (formerly Invitae), Labcorp
Classification: Uncertain significance for Long QT syndrome. Last evaluated: 2025-12-24. Review status: criteria provided, single submitter. Criteria: Invitae Variant Classification Sherloc (09022015). Collection method: clinical testing. Allele origin: germline.
Comment: This sequence change replaces aspartic acid, which is acidic and polar, with tyrosine, which is neutral and polar, at codon 454 of the KCNQ1 protein (p.Asp454Tyr). This variant is not present in population databases (gnomAD no frequency). This variant has not been reported in the literature in individuals affected with KCNQ1-related conditions. Invitae Evidence Modeling of protein sequence and biophysical properties (such as structural, functional, and spatial information, amino acid conservation, physicochemical variation, residue mobility, and thermodynamic stability) has been performed for this missense variant. However, the output from this modeling did not meet the statistical confidence thresholds required to predict the impact of this variant on KCNQ1 protein function. In summary, the available evidence is currently insufficient to determine the role of this variant in disease. Therefore, it has been classified as a Variant of Uncertain Significance.

NM_000218.3(KCNQ1):c.1360G>T (p.Asp454Tyr)

Gene: KCNQ1 (potassium voltage-gated channel subfamily Q member 1; plus strand). Cytogenetic location: 11p15.5.
Variant type: single nucleotide variant.
Coding change: c.1360G>T on transcript NM_000218.3 (MANE Select); coding-DNA position 1360, G replaced by T.
Protein change: p.Asp454Tyr; replaces aspartic acid 454 with tyrosine.
Molecular consequence: missense variant.
Genome position (GRCh38, 1-based): chr11:2,588,821, G>T. VCF-style: chr11-2588821-G-T. GRCh37 (hg19) VCF-style: chr11-2610051-G-T.
Other names: c.1264G>T, p.Asp422Tyr (NM_001406836.1); c.1090G>T, p.Asp364Tyr (NM_001406837.1); c.820G>T, p.Asp274Tyr (NM_001406838.1); c.979G>T, p.Asp327Tyr (NM_181798.2); short protein forms D327Y, D364Y, D274Y, D422Y, D454Y.
Identifiers: ClinVar variation 4776645 (VCV004776645.1).